The following is an entry in ClinVar:

NM_002775.5(HTRA1):c.144G>T (p.Pro48=)

Gene: HTRA1 (HtrA serine peptidase 1; plus strand). Cytogenetic location: 10q26.13.
Variant type: single nucleotide variant.
Coding change: c.144G>T on transcript NM_002775.5 (MANE Select); coding-DNA position 144, G replaced by T.
Protein change: p.Pro48=; no amino-acid change (proline 48 retained).
Molecular consequence: synonymous variant.
Genome position (GRCh38, 1-based): chr10:122,461,796, G>T. VCF-style: chr10-122461796-G-T. GRCh37 (hg19) VCF-style: chr10-124221312-G-T.
Identifiers: ClinVar variation 798282 (VCV000798282.30), dbSNP rs565162637, ClinGen allele CA214415271.

ClinVar aggregate classification (germline): Likely benign. Review status: criteria provided, multiple submitters, no conflicts (2 of 4 stars). 3 submissions from 3 submitters: Likely benign (3). Last evaluated 2024-09-04.

Allele frequency attached by ClinVar (database versions not stated): gnomAD 0.00004; TOPMed 0.00007; 1000 Genomes Project 0.00020; 1000 Genomes Project 30x 0.00031.

Submissions (3):

Labcorp Genetics (formerly Invitae), Labcorp
Classification: Likely benign. Last evaluated: 2024-09-04. Review status: criteria provided, single submitter. Criteria: Invitae Variant Classification Sherloc (09022015). Collection method: clinical testing. Allele origin: germline.

CeGaT Center for Human Genetics Tuebingen
Classification: Likely benign. Last evaluated: 2023-08-01. Review status: criteria provided, single submitter. Criteria: CeGaT Center For Human Genetics Tuebingen Variant Classification Criteria Version 2. Collection method: clinical testing. Allele origin: germline. Affected: yes. Observed: 1 variant allele.
Comment: HTRA1: BP4, BP7

Blueprint Genetics
Classification: Likely benign. Last evaluated: 2023-03-24. Review status: criteria provided, single submitter. Criteria: ACMG Guidelines, 2015. Collection method: clinical testing. Allele origin: germline.